The following is an entry in ClinVar:

ClinVar aggregate classification (germline): Uncertain significance. Review status: criteria provided, multiple submitters, no conflicts (2 of 4 stars). 2 submissions from 2 submitters: Uncertain significance (2). Last evaluated 2025-10-04.

Allele frequency attached by ClinVar (database versions not stated): ExAC 0.00001; TOPMed 0.00001; gnomAD exomes 0.00002.
gnomAD v4.1: 29 of 1,614,160 alleles (0.0018%); highest among the groups gnomAD compares: Non-Finnish European, 0.0021%; no homozygotes.

Submissions (2):

Labcorp Genetics (formerly Invitae), Labcorp
Classification: Uncertain significance. Last evaluated: 2025-10-04. Review status: criteria provided, single submitter. Criteria: Invitae Variant Classification Sherloc (09022015). Collection method: clinical testing. Allele origin: germline.
Comment: This sequence change replaces asparagine, which is neutral and polar, with serine, which is neutral and polar, at codon 482 of the NFE2L2 protein (p.Asn482Ser). This variant is present in population databases (rs778586093, gnomAD 0.002%). This variant has not been reported in the literature in individuals affected with NFE2L2-related conditions. ClinVar contains an entry for this variant (Variation ID: 2075659). Invitae Evidence Modeling of protein sequence and biophysical properties (such as structural, functional, and spatial information, amino acid conservation, physicochemical variation, residue mobility, and thermodynamic stability) indicates that this missense variant is expected to disrupt NFE2L2 protein function with a positive predictive value of 80%. In summary, the available evidence is currently insufficient to determine the role of this variant in disease. Therefore, it has been classified as a Variant of Uncertain Significance.

Ambry Genetics
Classification: Uncertain significance. Last evaluated: 2022-07-12. Review status: criteria provided, single submitter. Criteria: Ambry Variant Classification Scheme 2023. Collection method: clinical testing. Allele origin: germline.

NM_006164.5(NFE2L2):c.1445A>G (p.Asn482Ser)

Gene: NFE2L2 (NFE2 like bZIP transcription factor 2; minus strand). Cytogenetic location: 2q31.2.
Variant type: single nucleotide variant.
Coding change: c.1445A>G on transcript NM_006164.5 (MANE Select); coding-DNA position 1445, A replaced by G.
Protein change: p.Asn482Ser; replaces asparagine 482 with serine.
Molecular consequence: missense variant.
Genome position (GRCh38, 1-based): chr2:177,231,158, T>C on the plus strand (A>G on the coding strand, the complement: NFE2L2 is on the minus strand). VCF-style: chr2-177231158-T-C. GRCh37 (hg19) VCF-style: chr2-178095886-T-C.
Other names: c.1397A>G, p.Asn466Ser (NM_001145412.3, NM_001313900.1, NM_001313901.1); c.1376A>G, p.Asn459Ser (NM_001145413.3); c.1355A>G, p.Asn452Ser (NM_001313902.2); c.1226A>G, p.Asn409Ser (NM_001313903.2); c.1145A>G, p.Asn382Ser (NM_001313904.1); short protein forms N466S, N382S, N459S, N482S, N409S, N452S.
Identifiers: ClinVar variation 2075659 (VCV002075659.5), dbSNP rs778586093, ClinGen allele CA1979689.